The following is an entry in ClinVar:

ClinVar aggregate classification (germline): Uncertain significance (1 of 4 stars; one submission).

Submission:

GeneDx
Classification: Uncertain significance. Last evaluated: 2024-06-07. Review status: criteria provided, single submitter. Criteria: GeneDx Variant Classification Process June 2021. Collection method: clinical testing. Allele origin: germline. Affected: yes.
Comment: Not observed in large population cohorts (Database of Genomic Variants); In silico analysis supports that this missense variant has a deleterious effect on protein structure/function; Has not been previously published as pathogenic or benign to our knowledge

NM_004807.3(HS6ST1):c.418C>G (p.Arg140Gly)

Gene: HS6ST1 (heparan sulfate 6-O-sulfotransferase 1; minus strand). Cytogenetic location: 2q14.3.
Variant type: single nucleotide variant.
Coding change: c.418C>G on transcript NM_004807.3 (MANE Select); coding-DNA position 418, C replaced by G.
Protein change: p.Arg140Gly; replaces arginine 140 with glycine.
Molecular consequence: missense variant.
Genome position (GRCh38, 1-based): chr2:128,318,146, G>C on the plus strand (C>G on the coding strand, the complement: HS6ST1 is on the minus strand). VCF-style: chr2-128318146-G-C. GRCh37 (hg19) VCF-style: chr2-129075720-G-C.
Other names: short protein forms R140G.
Identifiers: ClinVar variation 1326717 (VCV001326717.3), dbSNP rs2104941530, ClinGen allele CA348616869.